The following is an entry in ClinVar:

NM_032188.3(KAT8):c.97G>A (p.Gly33Arg)

Gene: KAT8 (lysine acetyltransferase 8; plus strand). Cytogenetic location: 16p11.2.
Variant type: single nucleotide variant.
Coding change: c.97G>A on transcript NM_032188.3 (MANE Select); coding-DNA position 97, G replaced by A.
Protein change: p.Gly33Arg; replaces glycine 33 with arginine.
Molecular consequence: missense variant.
Genome position (GRCh38, 1-based): chr16:31,117,778, G>A. VCF-style: chr16-31117778-G-A. GRCh37 (hg19) VCF-style: chr16-31129099-G-A.
Other names: c.97G>A, p.Gly33Arg (NM_182958.4); short protein forms G33R.
Identifiers: ClinVar variation 2507201 (VCV002507201.1), dbSNP rs1465410680, ClinGen allele CA395665583.
Genomic context (GRCh38, chr16:31,117,778, plus strand): 5'-GGGACTTCAGGGGTCGCGGGGGAGGGCGAGCCCGGGCCCGGGGAGAATGCGGCCGCTGAG[G>A]GGACCGCCCCATCCCCGGGCCGCGTCTCTCCGCCGACCCCGGCGCGCGGCGAGCCGGAAG-3'
Protein context (NP_115564.2, residues 23-43): PGPGENAAAE[Gly33Arg]TAPSPGRVSP

ClinVar aggregate classification (germline): Uncertain significance (1 of 4 stars; one submission).

Allele frequency attached by ClinVar (database versions not stated): gnomAD 0.00001; TOPMed 0.00001.

Submission:

GeneDx
Classification: Uncertain significance. Last evaluated: 2022-12-30. Review status: criteria provided, single submitter. Criteria: GeneDx Variant Classification Process June 2021. Collection method: clinical testing. Allele origin: germline. Affected: yes.
Comment: Not observed at significant frequency in large population cohorts (gnomAD); In silico analysis supports that this missense variant does not alter protein structure/function; Has not been previously published as pathogenic or benign to our knowledge